The following is an entry in ClinVar:

ClinVar aggregate classification (germline): Uncertain significance (1 of 4 stars; one submission).

Submission:

Labcorp Genetics (formerly Invitae), Labcorp
Classification: Uncertain significance. Last evaluated: 2022-05-08. Review status: criteria provided, single submitter. Criteria: Invitae Variant Classification Sherloc (09022015). Collection method: clinical testing. Allele origin: germline.
Comment: This sequence change replaces serine, which is neutral and polar, with cysteine, which is neutral and slightly polar, at codon 248 of the COL18A1 protein (p.Ser248Cys). This variant is not present in population databases (gnomAD no frequency). This variant has not been reported in the literature in individuals affected with COL18A1-related conditions. Experimental studies and prediction algorithms are not available or were not evaluated, and the functional significance of this variant is currently unknown. In summary, the available evidence is currently insufficient to determine the role of this variant in disease. Therefore, it has been classified as a Variant of Uncertain Significance.

NM_001379500.1(COL18A1):c.743C>G (p.Ser248Cys)

Gene: COL18A1 (collagen type XVIII alpha 1 chain; plus strand). Cytogenetic location: 21q22.3.
Variant type: single nucleotide variant.
Coding change: c.743C>G on transcript NM_001379500.1 (MANE Select); coding-DNA position 743, C replaced by G.
Protein change: p.Ser248Cys; replaces serine 248 with cysteine.
Molecular consequence: missense variant.
Genome position (GRCh38, 1-based): chr21:45,475,480, C>G. VCF-style: chr21-45475480-C-G. GRCh37 (hg19) VCF-style: chr21-46895394-C-G.
Other names: c.1283C>G, p.Ser428Cys (NM_030582.4); c.1988C>G, p.Ser663Cys (NM_130444.3); short protein forms S428C, S248C, S663C.
Identifiers: ClinVar variation 1992003 (VCV001992003.4), dbSNP rs200073359, ClinGen allele CA410513397.